The following is an entry in ClinVar:

ClinVar aggregate classification (germline): Uncertain significance (1 of 4 stars; one submission).

Conditions:
Cardiovascular phenotype. Identifiers: MedGen CN230736.

Submission:

Ambry Genetics
Classification: Uncertain significance for Cardiovascular phenotype. Last evaluated: 2023-11-17. Review status: criteria provided, single submitter. Criteria: Ambry Variant Classification Scheme 2023. Collection method: clinical testing. Allele origin: germline.
Comment: The p.V264M variant (also known as c.790G>A), located in coding exon 1 of the KCNJ2 gene, results from a G to A substitution at nucleotide position 790. The valine at codon 264 is replaced by methionine, an amino acid with highly similar properties. This amino acid position is highly conserved in available vertebrate species. In addition, this alteration is predicted to be deleterious by in silico analysis. Since supporting evidence is limited at this time, the clinical significance of this alteration remains unclear.

NM_000891.3(KCNJ2):c.790G>A (p.Val264Met)

Gene: KCNJ2 (potassium inwardly rectifying channel subfamily J member 2; plus strand). Cytogenetic location: 17q24.3.
Variant type: single nucleotide variant.
Coding change: c.790G>A on transcript NM_000891.3 (MANE Select); coding-DNA position 790, G replaced by A.
Protein change: p.Val264Met; replaces valine 264 with methionine.
Molecular consequence: missense variant.
Genome position (GRCh38, 1-based): chr17:70,175,829, G>A. VCF-style: chr17-70175829-G-A. GRCh37 (hg19) VCF-style: chr17-68171970-G-A.
Other names: short protein forms V264M.
Identifiers: ClinVar variation 3232301 (VCV003232301.1), dbSNP rs2509921432, ClinGen allele CA400862089.